The following is an entry in ClinVar:

ClinVar aggregate classification (germline): Conflicting classifications of pathogenicity. Review status: criteria provided, conflicting classifications (1 of 4 stars). 3 submissions from 3 submitters: Uncertain significance (2); Likely benign (1). Last evaluated 2024-09-25.

Conditions:
Hereditary cancer-predisposing syndrome. Also called: Tumor predisposition; Neoplastic Syndromes, Hereditary; Hereditary Cancer Syndrome; Hereditary neoplastic syndrome. Identifiers: Orphanet 140162, MedGen C0027672, MeSH D009386, MONDO:0015356.

Allele frequency attached by ClinVar (database versions not stated): gnomAD exomes below 0.00001.
gnomAD v4.1: 1 of 1,612,860 alleles (0.000062%); highest among the groups gnomAD compares: Non-Finnish European, 0.000085%; no homozygotes.

Submissions (3):

Ambry Genetics
Classification: Uncertain significance for Hereditary cancer-predisposing syndrome. Last evaluated: 2024-09-25. Review status: criteria provided, single submitter. Criteria: Ambry Variant Classification Scheme 2023. Collection method: clinical testing. Allele origin: germline.
Comment: The p.D362G variant (also known as c.1085A>G), located in coding exon 9 of the BRCA2 gene, results from an A to G substitution at nucleotide position 1085. The aspartic acid at codon 362 is replaced by glycine, an amino acid with similar properties. This amino acid position is poorly conserved in available vertebrate species. In addition, this alteration is predicted to be tolerated by in silico analysis. Since supporting evidence is limited at this time, the clinical significance of this alteration remains unclear.

University of Washington Department of Laboratory Medicine, University of Washington
Classification: Likely benign for Hereditary cancer-predisposing syndrome. Last evaluated: 2023-03-23. Review status: criteria provided, single submitter. Criteria: Dines et al. (Genet Med. 2020). Collection method: curation. Allele origin: germline.
Comment: Missense variant in a coldspot region where missense variants are very unlikely to be pathogenic (PMID:31911673).

BRCA2 exon 10 coldspot. Reclassification based on statistical prior probability.

Quest Diagnostics Nichols Institute San Juan Capistrano
Classification: Uncertain significance. Last evaluated: 2019-02-09. Review status: criteria provided, single submitter. Criteria: Quest Diagnostics criteria. Collection method: clinical testing. Allele origin: germline.

NM_000059.4(BRCA2):c.1085A>G (p.Asp362Gly)

Gene: BRCA2 (BRCA2 DNA repair associated; plus strand). Cytogenetic location: 13q13.1.
Variant type: single nucleotide variant.
Coding change: c.1085A>G on transcript NM_000059.4 (MANE Select); coding-DNA position 1085, A replaced by G.
Protein change: p.Asp362Gly; replaces aspartic acid 362 with glycine.
Molecular consequence: missense variant.
Genome position (GRCh38, 1-based): chr13:32,332,563, A>G. VCF-style: chr13-32332563-A-G. GRCh37 (hg19) VCF-style: chr13-32906700-A-G.
Other names: short protein forms D362G.
Identifiers: ClinVar variation 801092 (VCV000801092.9), dbSNP rs561004600, ClinGen allele CA387761478.
Genomic context (GRCh38, chr13:32,332,563, plus strand): 5'-AAAAATCTAAAAACCAAGTGAAAGAAAAATACTCATTTGTATCTGAAGTGGAACCAAATG[A>G]TACTGATCCATTAGATTCAAATGTAGCAAATCAGAAGCCCTTTGAGAGTGGAAGTGACAA-3'
Protein context (NP_000050.3, residues 352-372): YSFVSEVEPN[Asp362Gly]TDPLDSNVAN